The following is an entry in ClinVar:

ClinVar aggregate classification (germline): Pathogenic (1 of 4 stars; one submission).

Submission:

Labcorp Genetics (formerly Invitae), Labcorp
Classification: Pathogenic. Last evaluated: 2023-10-13. Review status: criteria provided, single submitter. Criteria: Invitae Variant Classification Sherloc (09022015). Collection method: clinical testing. Allele origin: germline.
Comment: This sequence change creates a premature translational stop signal (p.Ile276Hisfs*7) in the GRM6 gene. It is expected to result in an absent or disrupted protein product. Loss-of-function variants in GRM6 are known to be pathogenic (PMID: 15781871, 16622103, 22008250). This variant is not present in population databases (gnomAD no frequency). This variant has not been reported in the literature in individuals affected with GRM6-related conditions. Algorithms developed to predict the effect of sequence changes on RNA splicing suggest that this variant may disrupt the consensus splice site. For these reasons, this variant has been classified as Pathogenic.

Literature cited by the submitters: PubMed 15781871; PubMed 16622103; PubMed 22008250.

NM_000843.4(GRM6):c.824dup (p.Ile276fs)

Gene: GRM6 (glutamate metabotropic receptor 6; minus strand). Cytogenetic location: 5q35.3.
Variant type: Duplication.
Coding change: c.824dup on transcript NM_000843.4 (MANE Select); coding-DNA position 824, one base duplicated (G; older notation c.824dupG).
Protein change: p.Ile276fs; shifts the reading frame from isoleucine 276.
Molecular consequence: frameshift variant.
Genome position (GRCh38, 1-based): chr5:178,991,457, C duplicated on the plus strand (G on the coding strand, the reverse complement: GRM6 is on the minus strand); the first of 4 consecutive C bases (chr5:178,991,457-178,991,460); duplicating any one gives the same sequence. VCF-style (leftmost placement, unchanged base first): chr5-178991456-G-GC. GRCh37 (hg19) VCF-style: chr5-178418457-G-GC.
Other names: short protein forms I276fs.
Identifiers: ClinVar variation 2869949 (VCV002869949.3), dbSNP rs2480398393, ClinGen allele CA2739272802.